The following is an entry in ClinVar:

ClinVar aggregate classification (germline): Benign (1 of 4 stars; one submission).

Conditions:
Parkinson disease 17 (PARK17). Also called: VPS35-Related Parkinson Disease. Identifiers: Orphanet 411602, MedGen C3280133, MONDO:0013625, OMIM 614203.

Allele frequency attached by ClinVar (database versions not stated): 1000 Genomes Project 0.00060; 1000 Genomes Project 30x 0.00062; gnomAD exomes 0.00123; gnomAD 0.00077 and 0.00079; TOPMed 0.00078.
gnomAD v4.1: 124 of 158,882 alleles (0.078%); highest among the groups gnomAD compares: Non-Finnish European, 0.14%; no homozygotes.

Submission:

Illumina Laboratory Services, Illumina
Classification: Benign for Parkinson disease 17. Last evaluated: 2018-01-13. Review status: criteria provided, single submitter. Criteria: ICSL Variant Classification Criteria 13 December 2019. Collection method: clinical testing. Allele origin: germline.
Comment: This variant was observed in the ICSL laboratory as part of a predisposition screen in an ostensibly healthy population. It had not been previously curated by ICSL or reported in the Human Gene Mutation Database (HGMD: prior to June 1st, 2018), and was therefore a candidate for classification through an automated scoring system. Utilizing variant allele frequency, disease prevalence and penetrance estimates, and inheritance mode, an automated score was calculated to assess if this variant is too frequent to cause the disease. Based on the score and internal cut-off values, a variant classified as benign is not then subjected to further curation. The score for this variant resulted in a classification of benign for this disease.

NM_018206.6(VPS35):c.*422C>A

Gene: VPS35 (VPS35 retromer complex component; minus strand). Cytogenetic location: 16q11.2.
Variant type: single nucleotide variant.
Coding change: c.*422C>A on transcript NM_018206.6 (MANE Select); 422 bases downstream of the stop codon, C replaced by A.
Molecular consequence: 3 prime UTR variant.
Genome position (GRCh38, 1-based): chr16:46,660,050, G>T on the plus strand (C>A on the coding strand, the complement: VPS35 is on the minus strand). VCF-style: chr16-46660050-G-T. GRCh37 (hg19) VCF-style: chr16-46693962-G-T.
Identifiers: ClinVar variation 885588 (VCV000885588.4), dbSNP rs181198454, ClinGen allele CA280200951.
Genomic context (GRCh38, chr16:46,660,050, plus strand): 5'-GGAAAGCCCAAGATGAATTTCACATACAGTATTCCTTTCTTCTAAATTAATCTCAAACTG[G>T]ACTAGAAAACAAGAGACAGACGCTTTTGGGTTAGTACTCCCCAGGAATGAAGAAAATACA-3'